The following is an entry in ClinVar:

ClinVar aggregate classification (germline): Conflicting classifications of pathogenicity. Review status: criteria provided, conflicting classifications (1 of 4 stars). 2 submissions from 2 submitters: Uncertain significance (1); Likely benign (1). Last evaluated 2024-01-31.

Allele frequency attached by ClinVar (database versions not stated): gnomAD exomes 0.00001.
gnomAD v4.1: 10 of 1,613,384 alleles (0.00062%); highest among the groups gnomAD compares: South Asian, 0.0088%; no homozygotes.

Submissions (2):

Labcorp Genetics (formerly Invitae), Labcorp
Classification: Likely benign. Last evaluated: 2024-01-31. Review status: criteria provided, single submitter. Criteria: Invitae Variant Classification Sherloc (09022015). Collection method: clinical testing. Allele origin: germline.

CeGaT Center for Human Genetics Tuebingen
Classification: Uncertain significance. Last evaluated: 2022-11-01. Review status: criteria provided, single submitter. Criteria: CeGaT Center For Human Genetics Tuebingen Variant Classification Criteria Version 2. Collection method: clinical testing. Allele origin: germline. Affected: yes. Observed: 1 variant allele.
Comment: CYP11B1: PM2, BP4

NM_000497.4(CYP11B1):c.595+8C>A

Genes: CYP11B1 (cytochrome P450 family 11 subfamily B member 1; minus strand), LOC106799833 (CYP11B1 recombination region; plus strand). Cytogenetic location: 8q24.3.
Variant type: single nucleotide variant.
Coding change: c.595+8C>A on transcript NM_000497.4 (MANE Select); 8 bases into the intron after coding-DNA position 595, C replaced by A.
Molecular consequence: intron variant.
Genome position (GRCh38, 1-based): chr8:142,877,015, G>T on the plus strand (C>A on the coding strand, the complement: CYP11B1 is on the minus strand). VCF-style: chr8-142877015-G-T. GRCh37 (hg19) VCF-style: chr8-143958431-G-T.
Other names: c.595+8C>A (NM_001026213.1).
Identifiers: ClinVar variation 1121366 (VCV001121366.32), dbSNP rs1322560606, ClinGen allele CA585726676.
Genomic context (GRCh38, chr8:142,877,015, plus strand): 5'-CAGTCCCCCATCCCCGTCCCTGGCCACTCCAGGGTCTCTGAGGCTGGATCTTCCCACGTG[G>T]CCCACACCTTCTATGGTGTAGTGGAAGATGCTGGGCTGGACGTCCAGGGTCAGGCTCCCC-3'